The following is an entry in ClinVar:

ClinVar aggregate classification (germline): Uncertain significance (1 of 4 stars; one submission).

Conditions:
Glycine encephalopathy. Also called: Nonketotic hyperglycinemia; Non-ketotic hyperglycinemia. Identifiers: Orphanet 407, MedGen C0751748, MONDO:0011612, HP:0008288.

Submission:

Labcorp Genetics (formerly Invitae), Labcorp
Classification: Uncertain significance for Glycine encephalopathy. Last evaluated: 2022-10-16. Review status: criteria provided, single submitter. Criteria: Invitae Variant Classification Sherloc (09022015). Collection method: clinical testing. Allele origin: germline.
Comment: This variant results in a copy number gain of the genomic region encompassing exon(s) 1-3 of the GLDC gene. This region includes the initiator codon of the gene. This copy number gain extends beyond the assayed region for this gene and therefore may encompass additional genes. As the precise location of this event is unknown, it may be in tandem or it may be located elsewhere in the genome. This variant has not been reported in the literature in individuals affected with GLDC-related conditions. Experimental studies and prediction algorithms are not available or were not evaluated, and the functional significance of this variant is currently unknown. In summary, the available evidence is currently insufficient to determine the role of this variant in disease. Therefore, it has been classified as a Variant of Uncertain Significance.

NC_000009.11:g.(?_6620164)_(6645499_?)dup

Gene: GLDC (glycine decarboxylase; minus strand). Cytogenetic location: 9p24.1.
Variant type: Duplication.
Identifiers: ClinVar variation 1022279 (VCV001022279.8).